The following is an entry in ClinVar:

ClinVar aggregate classification (germline): Uncertain significance (1 of 4 stars; one submission).

Allele frequency attached by ClinVar (database versions not stated): gnomAD exomes below 0.00001.
gnomAD v4.1: 1 of 1,614,140 alleles (0.000062%); highest among the groups gnomAD compares: South Asian, 0.0011%; no homozygotes.

Submission:

Laboratory for Molecular Medicine, Mass General Brigham Personalized Medicine
Classification: Uncertain significance. Last evaluated: 2015-08-13. Review status: criteria provided, single submitter. Criteria: LMM Criteria. Collection method: clinical testing. Allele origin: germline. Observed: 1 variant allele.
Comment: The p.Ile97Met variant in DIABLO has not been previously reported in individuals with hearing loss and was absent from large population studies. Computational p rediction tools and conservation analysis do not provide strong support for or a gainst an impact to the protein. In summary, the clinical significance of the p. Ile97Met variant is uncertain.

NM_001371333.1(DIABLO):c.291T>G (p.Ile97Met)

Gene: DIABLO (diablo IAP-binding mitochondrial protein; minus strand). Cytogenetic location: 12q24.31.
Variant type: single nucleotide variant.
Coding change: c.291T>G on transcript NM_001371333.1 (MANE Select); coding-DNA position 291, T replaced by G.
Protein change: p.Ile97Met; replaces isoleucine 97 with methionine.
Molecular consequence: missense variant. On other transcripts: intron variant (2).
Genome position (GRCh38, 1-based): chr12:122,218,290, A>C on the plus strand (T>G on the coding strand, the complement: DIABLO is on the minus strand). VCF-style: chr12-122218290-A-C. GRCh37 (hg19) VCF-style: chr12-122702837-A-C.
Other names: c.72T>G, p.Ile24Met (NM_001278303.1); c.132T>G, p.Ile44Met (NM_001278304.2, NM_138930.3); c.291T>G, p.Ile97Met (NM_019887.6); c.184-1421T>G (NM_001278342.1); c.25-1421T>G (NM_001278302.1); short protein forms I97M, I24M, I44M.
Identifiers: ClinVar variation 228572 (VCV000228572.4), dbSNP rs876657775, ClinGen allele CA10576910.
Genomic context (GRCh38, chr12:122,218,290, plus strand): 5'-ATGGTTTAGAAGATCAAGAGTTAAGAGGAGACATACCTTAGTATATTCAGTAATAGCTTC[A>C]ATCAACGCATATGTGGTCTGAGAGAGAAAGGTAGAGGTGCTATCTGTTACCAAAGACACT-3'
Protein context (NP_001358262.1, residues 87-107): TFLSQTTYAL[Ile97Met]EAITEYTKAV